The following is an entry in ClinVar:

NM_001023570.4(IQCB1):c.1090C>T (p.Arg364Ter)

Gene: IQCB1 (IQ motif containing B1; minus strand). Cytogenetic location: 3q13.33.
Variant type: single nucleotide variant.
Coding change: c.1090C>T on transcript NM_001023570.4 (MANE Select); coding-DNA position 1090, C replaced by T.
Protein change: p.Arg364Ter; replaces arginine 364 with a stop codon.
Molecular consequence: nonsense. On other transcripts: non-coding transcript variant (1).
Genome position (GRCh38, 1-based): chr3:121,790,112, G>A on the plus strand (C>T on the coding strand, the complement: IQCB1 is on the minus strand). VCF-style: chr3-121790112-G-A. GRCh37 (hg19) VCF-style: chr3-121508959-G-A.
Other names: c.691C>T, p.Arg231Ter (NM_001023571.4); c.1090C>T, p.Arg364Ter (NM_001319107.2); c.1090C>T (NM_001023570.3); short protein forms R364*, R231*.
Identifiers: ClinVar variation 167197 (VCV000167197.25), dbSNP rs727503968, ClinGen allele CA200804.

ClinVar aggregate classification (germline): Pathogenic. Review status: criteria provided, multiple submitters, no conflicts (2 of 4 stars). 7 submissions from 7 submitters: Pathogenic (7). Last evaluated 2025-09-03.

Conditions:
IQCB1-related disorder. Also called: IQCB1-related condition.
Nephronophthisis. Also called: Juvenile Nephronophthisis. Identifiers: Orphanet 655, MedGen C0687120, MONDO:0019005, HP:0000090.
Senior-Loken syndrome 5 (SLSN5). Identifiers: Orphanet 3156, MedGen C1836517, MONDO:0012225, OMIM 609254.

Allele frequency attached by ClinVar (database versions not stated): gnomAD exomes 0.00003 and 0.00006; ExAC 0.00005; TOPMed 0.00005; gnomAD 0.00006.
gnomAD v4.1: 53 of 1,613,438 alleles (0.0033%); highest among the groups gnomAD compares: East Asian, 0.042%; no homozygotes.

Submissions (7):

Labcorp Genetics (formerly Invitae), Labcorp
Classification: Pathogenic for Nephronophthisis. Last evaluated: 2025-09-03. Review status: criteria provided, single submitter. Criteria: Invitae Variant Classification Sherloc (09022015). Collection method: clinical testing. Allele origin: germline.
Comment: This sequence change creates a premature translational stop signal (p.Arg364*) in the IQCB1 gene. It is expected to result in an absent or disrupted protein product. Loss-of-function variants in IQCB1 are known to be pathogenic (PMID: 15723066, 21901789, 23559409, 28041643). This variant is present in population databases (rs727503968, gnomAD 0.1%). This premature translational stop signal has been observed in individuals with Senior-Løken syndrome and Leber congenital amaurosis (PMID: 19430481, 23661368, 24674142, 26274329). ClinVar contains an entry for this variant (Variation ID: 167197). For these reasons, this variant has been classified as Pathogenic.

Fulgent Genetics
Classification: Pathogenic for Senior-Loken syndrome 5. Last evaluated: 2024-06-02. Review status: criteria provided, single submitter. Criteria: ACMG Guidelines, 2015. Collection method: clinical testing. Allele origin: germline.

3billion
Classification: Pathogenic for Senior-Loken syndrome 5. Last evaluated: 2023-10-27. Review status: criteria provided, single submitter. Criteria: ACMG Guidelines, 2015. Collection method: clinical testing. Allele origin: germline. Affected: yes.
Comment: The variant is observed at an extremely low frequency in the gnomAD v2.1.1 dataset (total allele frequency: 0.008%). Predicted Consequence/Location: Stop-gained (nonsense): predicted to result in a loss or disruption of normal protein function through nonsense-mediated decay (NMD) or protein truncation. Multiple pathogenic variants are reported downstream of the variant. The variant has been reported at least twice as pathogenic without evidence for the classification (ClinVar ID: VCV000167197 /PMID: 19430481 /3billion dataset). Therefore, this variant is classified as Pathogenic according to the recommendation of ACMG/AMP guideline.

Genetic Services Laboratory, University of Chicago
Classification: Pathogenic. Last evaluated: 2023-06-15. Review status: criteria provided, single submitter. Criteria: ACMG Guidelines, 2015. Collection method: clinical testing. Allele origin: germline. Affected: yes.
Comment: DNA sequence analysis of the IQCB1 gene demonstrated a sequence change, c.1090C>T, which results in the creation of a premature stop codon at amino acid position 364, p.Arg364*. This pathogenic sequence change is predicted to result in an abnormal transcript, which may be degraded, or may lead to the production of a truncated IQCB1 protein with potentially abnormal function. This sequence change has been described in the gnomAD database with a frequency of 0.10% in the East Asian subpopulation (dbSNP rs727503968). This pathogenic sequence change has previously been described in individuals with Senior-Loken syndrome and in individuals with Leber congenital amaurosis (PMID: 23661368, 19430481, 24674142, 26274329). Collectively, this evidence indicates that this sequence change is pathogenic.

Blueprint Genetics
Classification: Pathogenic for IQCB1-related disorders. Last evaluated: 2020-01-24. Review status: criteria provided, single submitter. Criteria: ACMG Guidelines, 2015. Collection method: clinical testing. Allele origin: germline. Affected: yes. Observed: 5 variant alleles.

Eurofins Ntd Llc (ga)
Classification: Pathogenic. Last evaluated: 2014-02-05. Review status: criteria provided, single submitter. Criteria: EGL Classification Definitions. Collection method: clinical testing. Allele origin: germline. Observed: 2 variant alleles, 2 heterozygotes.

Juno Genomics, Hangzhou Juno Genomics, Inc
Classification: Pathogenic for Senior-Loken syndrome 5. Review status: criteria provided, single submitter. Criteria: ACMG Guidelines, 2015. Collection method: clinical testing. Allele origin: germline.
Comment: Null variant in a gene where loss of function (LOF) is a known mechanism of disease.;For recessive disorders, detected in trans with a pathogenic variant.

Literature cited by the submitters: PubMed 15723066 (cited by Labcorp Genetics (formerly Invitae), Labcorp); PubMed 21901789 (cited by Labcorp Genetics (formerly Invitae), Labcorp); PubMed 23559409 (cited by Labcorp Genetics (formerly Invitae), Labcorp); PubMed 28041643 (cited by Labcorp Genetics (formerly Invitae), Labcorp); PubMed 19430481 (cited by Labcorp Genetics (formerly Invitae), Labcorp and 3billion); PubMed 23661368 (cited by Labcorp Genetics (formerly Invitae), Labcorp); PubMed 24674142 (cited by Labcorp Genetics (formerly Invitae), Labcorp); PubMed 26274329 (cited by Labcorp Genetics (formerly Invitae), Labcorp).